The following is an entry in ClinVar:

NM_032043.3(BRIP1):c.2090C>G (p.Ser697Cys)

Gene: BRIP1 (BRCA1 interacting DNA helicase 1; minus strand). Cytogenetic location: 17q23.2.
Variant type: single nucleotide variant.
Coding change: c.2090C>G on transcript NM_032043.3 (MANE Select); coding-DNA position 2090, C replaced by G.
Protein change: p.Ser697Cys; replaces serine 697 with cysteine.
Molecular consequence: missense variant.
Genome position (GRCh38, 1-based): chr17:61,776,408, G>C on the plus strand (C>G on the coding strand, the complement: BRIP1 is on the minus strand). VCF-style: chr17-61776408-G-C. GRCh37 (hg19) VCF-style: chr17-59853769-G-C.
Other names: short protein forms S697C.
Identifiers: ClinVar variation 820696 (VCV000820696.5), dbSNP rs1603328417, ClinGen allele CA400477988.

ClinVar aggregate classification (germline): Uncertain significance. Review status: criteria provided, multiple submitters, no conflicts (2 of 4 stars). 2 submissions from 2 submitters: Uncertain significance (2). Last evaluated 2025-03-18.

Conditions:
Familial cancer of breast. Also called: Hereditary breast cancer; hereditary breast carcinoma; BREAST CANCER, FAMILIAL. Identifiers: Orphanet 227535, MedGen C0346153, MONDO:0016419, OMIM 114480. Disease mechanism: loss of function.
Fanconi anemia complementation group J. Also called: BRIP1-Related Fanconi Anemia. Identifiers: Orphanet 84, MedGen C1836860, MONDO:0012187, OMIM 609054.
Hereditary cancer-predisposing syndrome. Also called: Hereditary Cancer Syndrome; Neoplastic Syndromes, Hereditary; Hereditary neoplastic syndrome; Tumor predisposition. Identifiers: Orphanet 140162, MedGen C0027672, MeSH D009386, MONDO:0015356.

Submissions (2):

Labcorp Genetics (formerly Invitae), Labcorp
Classification: Uncertain significance for Familial cancer of breast; Fanconi anemia complementation group J. Last evaluated: 2025-03-18. Review status: criteria provided, single submitter. Criteria: Invitae Variant Classification Sherloc (09022015). Collection method: clinical testing. Allele origin: germline.
Comment: This sequence change replaces serine, which is neutral and polar, with cysteine, which is neutral and slightly polar, at codon 697 of the BRIP1 protein (p.Ser697Cys). This variant is not present in population databases (gnomAD no frequency). This variant has not been reported in the literature in individuals affected with BRIP1-related conditions. ClinVar contains an entry for this variant (Variation ID: 820696). Invitae Evidence Modeling of protein sequence and biophysical properties (such as structural, functional, and spatial information, amino acid conservation, physicochemical variation, residue mobility, and thermodynamic stability) has been performed for this missense variant. However, the output from this modeling did not meet the statistical confidence thresholds required to predict the impact of this variant on BRIP1 protein function. In summary, the available evidence is currently insufficient to determine the role of this variant in disease. Therefore, it has been classified as a Variant of Uncertain Significance.

Ambry Genetics
Classification: Uncertain significance for Hereditary cancer-predisposing syndrome. Last evaluated: 2022-04-01. Review status: criteria provided, single submitter. Criteria: Ambry Variant Classification Scheme 2023. Collection method: clinical testing. Allele origin: germline.
Comment: The p.S697C variant (also known as c.2090C>G), located in coding exon 13 of the BRIP1 gene, results from a C to G substitution at nucleotide position 2090. The serine at codon 697 is replaced by cysteine, an amino acid with dissimilar properties. In one study, this alteration was observed in 0/706 cases with ovarian cancer, 0/6,341 cases with breast cancer and in 1/36,687 controls (Weber-Lassalle N et al. Breast Cancer Res., 2018 01;20:7). This amino acid position is highly conserved in available vertebrate species. In addition, this alteration is predicted to be deleterious by in silico analysis. Since supporting evidence is limited at this time, the clinical significance of this alteration remains unclear.

Literature cited by the submitters: PubMed 29368626 (cited by Ambry Genetics).